The following is an entry in ClinVar:

NM_001130823.3(DNMT1):c.3394+4C>T

Gene: DNMT1 (DNA methyltransferase 1; minus strand). Cytogenetic location: 19p13.2.
Variant type: single nucleotide variant.
Coding change: c.3394+4C>T on transcript NM_001130823.3 (MANE Select); 4 bases into the intron after coding-DNA position 3394, C replaced by T.
Molecular consequence: intron variant.
Genome position (GRCh38, 1-based): chr19:10,141,101, G>A on the plus strand (C>T on the coding strand, the complement: DNMT1 is on the minus strand). VCF-style: chr19-10141101-G-A. GRCh37 (hg19) VCF-style: chr19-10251777-G-A.
Other names: c.3346+4C>T (NM_001379.2, NM_001379.4, NM_001318730.2); c.3031+4C>T (NM_001318731.2).
Identifiers: ClinVar variation 859581 (VCV000859581.10), dbSNP rs781376510, ClinGen allele CA9187770.

ClinVar aggregate classification (germline): Conflicting classifications of pathogenicity. Review status: criteria provided, conflicting classifications (1 of 4 stars). 4 submissions from 4 submitters: Uncertain significance (3); Likely benign (1). Last evaluated 2025-05-17.

Conditions:
Hereditary sensory neuropathy-deafness-dementia syndrome. Also called: NEUROPATHY, HEREDITARY SENSORY, WITH HEARING LOSS AND DEMENTIA; Hereditary sensory neuropathy type IE; HSN IE; Hereditary Sensory and Autonomic Neuropathy Type 1E (HSAN1E). Identifiers: Orphanet 456318, MedGen C3279885, MONDO:0013584, OMIM 614116.
Inborn genetic diseases. Identifiers: MedGen C0950123, MeSH D030342.
Autosomal dominant cerebellar ataxia, deafness and narcolepsy. Also called: Autosomal Dominant Cerebellar Ataxia, Deafness, and Narcolepsy (ADCA-DN). Identifiers: Orphanet 314404, MedGen C4302668, MONDO:0011397, OMIM 604121.

Allele frequency attached by ClinVar (database versions not stated): ExAC 0.00002; gnomAD 0.00002; gnomAD exomes 0.00003 and 0.00009; TOPMed 0.00005.
gnomAD v4.1: 138 of 1,613,894 alleles (0.0086%); highest among the groups gnomAD compares: Middle Eastern, 0.016%; no homozygotes.

Submissions (4):

Labcorp Genetics (formerly Invitae), Labcorp
Classification: Uncertain significance for Hereditary sensory neuropathy-deafness-dementia syndrome. Last evaluated: 2025-05-17. Review status: criteria provided, single submitter. Criteria: Invitae Variant Classification Sherloc (09022015). Collection method: clinical testing. Allele origin: germline.
Comment: This sequence change falls in intron 31 of the DNMT1 gene. It does not directly change the encoded amino acid sequence of the DNMT1 protein. It affects a nucleotide within the consensus splice site. This variant is present in population databases (rs781376510, gnomAD 0.005%). This variant has not been reported in the literature in individuals affected with DNMT1-related conditions. ClinVar contains an entry for this variant (Variation ID: 859581). Variants that disrupt the consensus splice site are a relatively common cause of aberrant splicing (PMID: 17576681, 9536098). Algorithms developed to predict the effect of sequence changes on RNA splicing suggest that this variant is not likely to affect RNA splicing. In summary, the available evidence is currently insufficient to determine the role of this variant in disease. Therefore, it has been classified as a Variant of Uncertain Significance.

Blueprint Genetics
Classification: Likely benign. Last evaluated: 2024-11-26. Review status: criteria provided, single submitter. Criteria: ACMG Guidelines, 2015. Collection method: clinical testing. Allele origin: germline.

Ambry Genetics
Classification: Uncertain significance for Inborn genetic diseases. Last evaluated: 2023-11-30. Review status: criteria provided, single submitter. Criteria: Ambry Variant Classification Scheme 2023. Collection method: clinical testing. Allele origin: germline.
Comment: The c.3346+4C>T intronic alteration results from a C to T substitution 4 nucleotides after coding exon 30 of the DNMT1 gene. Based on data from gnomAD, the T allele has an overall frequency of 0.003% (8/251334) total alleles studied. The highest observed frequency was 0.016% (1/6138) of Other alleles. This nucleotide position is poorly conserved in available vertebrate species. In silico splice site analysis predicts that this alteration will not have any significant effect on splicing. Based on insufficient or conflicting evidence, the clinical significance of this alteration remains unclear.

Fulgent Genetics
Classification: Uncertain significance for Autosomal dominant cerebellar ataxia, deafness and narcolepsy; Hereditary sensory neuropathy-deafness-dementia syndrome. Last evaluated: 2021-10-15. Review status: criteria provided, single submitter. Criteria: ACMG Guidelines, 2015. Collection method: clinical testing. Allele origin: unknown.

Literature cited by the submitters: PubMed 17576681 (cited by Labcorp Genetics (formerly Invitae), Labcorp); PubMed 9536098 (cited by Labcorp Genetics (formerly Invitae), Labcorp).